The following is an entry in ClinVar:

NM_021252.5(RAB18):c.*3129C>T

Gene: RAB18 (RAB18, member RAS oncogene family; plus strand). Cytogenetic location: 10p12.1.
Variant type: single nucleotide variant.
Coding change: c.*3129C>T on transcript NM_021252.5 (MANE Select); 3129 bases downstream of the stop codon, C replaced by T.
Molecular consequence: 3 prime UTR variant. On other transcripts: non-coding transcript variant (1).
Genome position (GRCh38, 1-based): chr10:27,541,180, C>T. VCF-style: chr10-27541180-C-T. GRCh37 (hg19) VCF-style: chr10-27830109-C-T.
Other names: c.*3129C>T (NM_001256410.2, NM_001256412.2); c.*3089C>T (NM_001256411.2).
Identifiers: ClinVar variation 299865 (VCV000299865.5), dbSNP rs78270485, ClinGen allele CA5452566.
Genomic context (GRCh38, chr10:27,541,180, plus strand): 5'-AGGAAGTTATTTTGTCTTTCCTGTATTTCCCTAGTTAAGTATAGGGGTAAAAACGTTATT[C>T]AGCTTTCAGAAGACATTGTTCTGACTCCGACCCTGCCGTGTATACTCAACTATATAGACT-3'

ClinVar aggregate classification (germline): Benign (1 of 4 stars; one submission).

Conditions:
Warburg micro syndrome 3 (WARBM3). Also called: MICRO SYNDROME 3. Identifiers: Orphanet 2510, MedGen C3280203, MONDO:0013638, OMIM 614222.

Allele frequency attached by ClinVar (database versions not stated): ExAC 0.00102; gnomAD exomes 0.00301 and 0.00490; gnomAD 0.02239 and 0.02396; TOPMed 0.02554; 1000 Genomes Project 0.02576; 1000 Genomes Project 30x 0.02858.
gnomAD v4.1: 4,308 of 453,878 alleles (0.95%); highest among the groups gnomAD compares: African/African-American, 7.7%; 172 homozygotes.

Submission:

Illumina Laboratory Services, Illumina
Classification: Benign for Warburg micro syndrome 3. Last evaluated: 2018-01-12. Review status: criteria provided, single submitter. Criteria: ICSL Variant Classification Criteria 13 December 2019. Collection method: clinical testing. Allele origin: germline.
Comment: This variant was observed in the ICSL laboratory as part of a predisposition screen in an ostensibly healthy population. It had not been previously curated by ICSL or reported in the Human Gene Mutation Database (HGMD: prior to June 1st, 2018), and was therefore a candidate for classification through an automated scoring system. Utilizing variant allele frequency, disease prevalence and penetrance estimates, and inheritance mode, an automated score was calculated to assess if this variant is too frequent to cause the disease. Based on the score and internal cut-off values, a variant classified as benign is not then subjected to further curation. The score for this variant resulted in a classification of benign for this disease.